The following is an entry in ClinVar:

ClinVar aggregate classification (germline): Uncertain significance. Review status: criteria provided, multiple submitters, no conflicts (2 of 4 stars). 3 submissions from 3 submitters: Uncertain significance (3). Last evaluated 2025-11-22.

Conditions:
Inborn genetic diseases. Identifiers: MedGen C0950123, MeSH D030342.
Bethlem myopathy 2 (BTHLM2). Identifiers: Orphanet 536516, Orphanet 610, MedGen C4225313, MONDO:0034022, OMIM 616471.
Ullrich congenital muscular dystrophy 2 (UCMD2). Identifiers: Orphanet 75840, MedGen C4225314, MONDO:0014654, OMIM 616470.

Allele frequency attached by ClinVar (database versions not stated): gnomAD exomes below 0.00001; TOPMed 0.00001.
gnomAD v4.1: 3 of 1,614,210 alleles (0.00019%); highest among the groups gnomAD compares: Admixed American, 0.0033%; no homozygotes.

Submissions (3):

Labcorp Genetics (formerly Invitae), Labcorp
Classification: Uncertain significance for Bethlem myopathy 2; Ullrich congenital muscular dystrophy 2. Last evaluated: 2025-11-22. Review status: criteria provided, single submitter. Criteria: Invitae Variant Classification Sherloc (09022015). Collection method: clinical testing. Allele origin: germline.
Comment: This sequence change replaces methionine, which is neutral and non-polar, with valine, which is neutral and non-polar, at codon 830 of the COL12A1 protein (p.Met830Val). This variant is present in population databases (no rsID available, gnomAD 0.006%). This variant has not been reported in the literature in individuals affected with COL12A1-related conditions. ClinVar contains an entry for this variant (Variation ID: 1397384). Invitae Evidence Modeling of protein sequence and biophysical properties (such as structural, functional, and spatial information, amino acid conservation, physicochemical variation, residue mobility, and thermodynamic stability) indicates that this missense variant is not expected to disrupt COL12A1 protein function with a negative predictive value of 80%. In summary, the available evidence is currently insufficient to determine the role of this variant in disease. Therefore, it has been classified as a Variant of Uncertain Significance.

Women's Health and Genetics/Laboratory Corporation of America, LabCorp
Classification: Uncertain significance. Last evaluated: 2025-02-12. Review status: criteria provided, single submitter. Criteria: LabCorp Variant Classification Summary - May 2015. Collection method: clinical testing. Allele origin: germline.
Comment: Variant summary: COL12A1 c.2488A>G (p.Met830Val) results in a conservative amino acid change located in the Fibronectin type III domain (IPR003961) of the encoded protein sequence. Three of five in-silico tools predict a benign effect of the variant on protein function. The variant allele was found at a frequency of 4e-06 in 249358 control chromosomes. The available data on variant occurrences in the general population are insufficient to allow any conclusion about variant significance. To our knowledge, no occurrence of c.2488A>G in individuals affected with Ullrich congenital muscular dystrophy 2 and no experimental evidence demonstrating its impact on protein function have been reported. ClinVar contains an entry for this variant (Variation ID: 1397384). Based on the evidence outlined above, the variant was classified as uncertain significance.

Ambry Genetics
Classification: Uncertain significance for Inborn genetic diseases. Last evaluated: 2024-01-09. Review status: criteria provided, single submitter. Criteria: Ambry Variant Classification Scheme 2023. Collection method: clinical testing. Allele origin: germline.

NM_004370.6(COL12A1):c.2488A>G (p.Met830Val)

Gene: COL12A1 (collagen type XII alpha 1 chain; minus strand). Cytogenetic location: 6q13.
Variant type: single nucleotide variant.
Coding change: c.2488A>G on transcript NM_004370.6 (MANE Select); coding-DNA position 2488, A replaced by G.
Protein change: p.Met830Val; replaces methionine 830 with valine.
Molecular consequence: missense variant. On other transcripts: intron variant (1).
Genome position (GRCh38, 1-based): chr6:75,175,260, T>C on the plus strand (A>G on the coding strand, the complement: COL12A1 is on the minus strand). VCF-style: chr6-75175260-T-C. GRCh37 (hg19) VCF-style: chr6-75884976-T-C.
Other names: c.2488A>G (NM_004370.5); c.74-22778A>G (NM_080645.3); short protein forms M830V.
Identifiers: ClinVar variation 1397384 (VCV001397384.8), dbSNP rs1489423171, ClinGen allele CA364762524.